The following is an entry in ClinVar:

NM_022081.6(HPS4):c.133-2A>T

Gene: HPS4 (HPS4 biogenesis of lysosomal organelles complex 3 subunit 2; minus strand). Cytogenetic location: 22q12.1.
Variant type: single nucleotide variant.
Coding change: c.133-2A>T on transcript NM_022081.6 (MANE Select); the canonical splice acceptor site of the intron before coding-DNA position 133, A replaced by T.
Molecular consequence: splice acceptor variant.
Genome position (GRCh38, 1-based): chr22:26,477,138, T>A on the plus strand (A>T on the coding strand, the complement: HPS4 is on the minus strand). VCF-style: chr22-26477138-T-A. GRCh37 (hg19) VCF-style: chr22-26873104-T-A.
Other names: c.133-2A>T (NM_001349905.1, NM_001349904.2, NM_001349902.1 and 7 more transcripts); c.118-2A>T (NM_152841.2).
Identifiers: ClinVar variation 2502839 (VCV002502839.1), dbSNP rs2518592712, ClinGen allele CA411032912.

ClinVar aggregate classification (germline): Likely pathogenic (1 of 4 stars; one submission).

Conditions:
Hermansky-Pudlak syndrome 4 (HPS4). Identifiers: Orphanet 231500, Orphanet 79430, MedGen C3484357, MONDO:0013556, OMIM 614073.

Submission:

Lifecell International Pvt. Ltd
Classification: Likely pathogenic for Hermansky-Pudlak syndrome 4. Review status: criteria provided, single submitter. Criteria: ACMG Guidelines, 2015. Collection method: clinical testing. Allele origin: germline. Inheritance: Autosomal recessive inheritance. Affected: yes. Observed: 1 homozygote.
Comment: A Homozygote Splice site acceptor variant c.133-2A>T in Exon 3 of the HPS4 gene that results in the amino acid substitution was identified. The observed variant is novel in gnomAD exomes and genomes, respectively. The severity of the impact of this variant on the protein is high, based on the effect of the protein and REVEL score. Rare Exome Variant Ensemble Learner (REVEL) is an ensembl method for predicting the pathogenicity of missense variants based on a combination of scores from 13 individual tools: MutPred, FATHMM v2.3, VEST 3.0, PolyPhen-2, SIFT, PROVEAN, MutationAssessor, MutationTaster, LRT, GERP++, SiPhy, phyloP, and phastCons. The REVEL score for an individual missense variant can range from 0 to 1, with higher scores reflecting greater likelihood that the variant is disease-causing. For these reasons, this variant has been classified as Likely Pathogenic.